The following is an entry in ClinVar:

NM_022356.4(P3H1):c.691G>A (p.Ala231Thr)

Gene: P3H1 (prolyl 3-hydroxylase 1; minus strand). Cytogenetic location: 1p34.2.
Variant type: single nucleotide variant.
Coding change: c.691G>A on transcript NM_022356.4 (MANE Select); coding-DNA position 691, G replaced by A.
Protein change: p.Ala231Thr; replaces alanine 231 with threonine.
Molecular consequence: missense variant.
Genome position (GRCh38, 1-based): chr1:42,759,318, C>T on the plus strand (G>A on the coding strand, the complement: P3H1 is on the minus strand). VCF-style: chr1-42759318-C-T. GRCh37 (hg19) VCF-style: chr1-43224989-C-T.
Other names: c.691G>A, p.Ala231Thr (NM_001146289.2, NM_001243246.2); short protein forms A231T.
Identifiers: ClinVar variation 1405167 (VCV001405167.8), dbSNP rs2124142756, ClinGen allele CA339960050.

ClinVar aggregate classification (germline): Uncertain significance (1 of 4 stars; one submission).

Conditions:
Osteogenesis imperfecta type 8 (OI8). Identifiers: MedGen C1970458, MONDO:0012581, OMIM 610915.

Allele frequency attached by ClinVar (database versions not stated): gnomAD exomes below 0.00001.
gnomAD v4.1: 1 of 1,614,186 alleles (0.000062%); highest among the groups gnomAD compares: Non-Finnish European, 0.000085%; no homozygotes.

Submission:

Labcorp Genetics (formerly Invitae), Labcorp
Classification: Uncertain significance for Osteogenesis imperfecta type 8. Last evaluated: 2021-07-12. Review status: criteria provided, single submitter. Criteria: Invitae Variant Classification Sherloc (09022015). Collection method: clinical testing. Allele origin: germline.
Comment: This sequence change replaces alanine with threonine at codon 231 of the P3H1 protein (p.Ala231Thr). The alanine residue is highly conserved and there is a small physicochemical difference between alanine and threonine. This variant is not present in population databases (ExAC no frequency). This variant has not been reported in the literature in individuals affected with P3H1-related conditions. Algorithms developed to predict the effect of missense changes on protein structure and function (SIFT, PolyPhen-2, Align-GVGD) all suggest that this variant is likely to be disruptive. In summary, the available evidence is currently insufficient to determine the role of this variant in disease. Therefore, it has been classified as a Variant of Uncertain Significance.